The following is an entry in ClinVar:

NM_001103.4(ACTN2):c.979C>T (p.Arg327Cys)

Gene: ACTN2 (actinin alpha 2; plus strand). Cytogenetic location: 1q43.
Variant type: single nucleotide variant.
Coding change: c.979C>T on transcript NM_001103.4 (MANE Select); coding-DNA position 979, C replaced by T.
Protein change: p.Arg327Cys; replaces arginine 327 with cysteine.
Molecular consequence: missense variant.
Genome position (GRCh38, 1-based): chr1:236,739,404, C>T. VCF-style: chr1-236739404-C-T. GRCh37 (hg19) VCF-style: chr1-236902704-C-T.
Other names: c.979C>T, p.Arg327Cys (NM_001278343.2); c.355C>T, p.Arg119Cys (NM_001278344.2); short protein forms R327C, R119C.
Identifiers: ClinVar variation 263547 (VCV000263547.17), dbSNP rs769485633, ClinGen allele CA1473021.

ClinVar aggregate classification (germline): Uncertain significance. Review status: criteria provided, multiple submitters, no conflicts (2 of 4 stars). 5 submissions from 5 submitters: Uncertain significance (5). Last evaluated 2025-12-03.

Conditions:
Dilated cardiomyopathy 1AA (CMD1AA). Also called: CARDIOMYOPATHY, DILATED, 1AA, WITH OR WITHOUT LEFT VENTRICULAR NONCOMPACTION; CARDIOMYOPATHY, FAMILIAL HYPERTROPHIC, 23, WITH OR WITHOUT LEFT VENTRICULAR NONCOMPACTION; Cardiomyopathy, dilated, 1AA, with or without LVNC. Identifiers: Orphanet 154, MedGen C2677338, MONDO:0012808, OMIM 612158.
Primary familial hypertrophic cardiomyopathy (HCM). Identifiers: Orphanet 99739, MedGen C0949658, MeSH D024741, MONDO:0024573. Inheritance: Various modes of inheritance.
Cardiovascular phenotype. Identifiers: MedGen CN230736.

Allele frequency attached by ClinVar (database versions not stated): TOPMed below 0.00001; gnomAD exomes 0.00002 and 0.00001; ExAC 0.00002.
gnomAD v4.1: 22 of 1,614,034 alleles (0.0014%); highest among the groups gnomAD compares: South Asian, 0.0088%; no homozygotes.

Submissions (5):

Labcorp Genetics (formerly Invitae), Labcorp
Classification: Uncertain significance for Primary familial hypertrophic cardiomyopathy; Dilated cardiomyopathy 1AA. Last evaluated: 2025-12-03. Review status: criteria provided, single submitter. Criteria: Invitae Variant Classification Sherloc (09022015). Collection method: clinical testing. Allele origin: germline.
Comment: This sequence change replaces arginine, which is basic and polar, with cysteine, which is neutral and slightly polar, at codon 327 of the ACTN2 protein (p.Arg327Cys). This variant is present in population databases (rs769485633, gnomAD 0.01%). This missense change has been observed in individual(s) with hypertrophic cardiomyopathy (PMID: 27532257). ClinVar contains an entry for this variant (Variation ID: 263547). Invitae Evidence Modeling of protein sequence and biophysical properties (such as structural, functional, and spatial information, amino acid conservation, physicochemical variation, residue mobility, and thermodynamic stability) indicates that this missense variant is expected to disrupt ACTN2 protein function with a positive predictive value of 80%. In summary, the available evidence is currently insufficient to determine the role of this variant in disease. Therefore, it has been classified as a Variant of Uncertain Significance.

GeneDx
Classification: Uncertain significance. Last evaluated: 2025-07-21. Review status: criteria provided, single submitter. Criteria: GeneDx Variant Classification Process June 2021. Collection method: clinical testing. Allele origin: germline. Affected: yes.
Comment: Not observed at significant frequency in large population cohorts (gnomAD); In silico analysis supports that this missense variant has a deleterious effect on protein structure/function; Identified in a patient with HCM in published literature (PMID: 27532257); This variant is associated with the following publications: (PMID: 27532257)

Women's Health and Genetics/Laboratory Corporation of America, LabCorp
Classification: Uncertain significance. Last evaluated: 2025-01-28. Review status: criteria provided, single submitter. Criteria: LabCorp Variant Classification Summary - May 2015. Collection method: clinical testing. Allele origin: germline.
Comment: Variant summary: ACTN2 c.979C>T (p.Arg327Cys) results in a non-conservative amino acid change located in the Spectrin repeat (IPR002017) of the encoded protein sequence. Four of five in-silico tools predict a damaging effect of the variant on protein function. The variant allele was found at a frequency of 2e-05 in 251484 control chromosomes. The available data on variant occurrences in the general population are insufficient to allow any conclusion about variant significance. c.979C>T has been reported in the literature in an individual affected with Cardiomyopathy. These report(s) do not provide unequivocal conclusions about association of the variant with Cardiomyopathy (Walsh_2017). To our knowledge, no experimental evidence demonstrating an impact on protein function has been reported. The following publication have been ascertained in the context of this evaluation (PMID: 27532257). ClinVar contains an entry for this variant (Variation ID: 263547). Based on the evidence outlined above, the variant was classified as uncertain significance.

Ambry Genetics
Classification: Uncertain significance for Cardiovascular phenotype. Last evaluated: 2023-10-26. Review status: criteria provided, single submitter. Criteria: Ambry Variant Classification Scheme 2023. Collection method: clinical testing. Allele origin: germline.
Comment: The p.R327C variant (also known as c.979C>T), located in coding exon 10 of the ACTN2 gene, results from a C to T substitution at nucleotide position 979. The arginine at codon 327 is replaced by cysteine, an amino acid with highly dissimilar properties. This variant has been detected in a cohort referred for hypertrophic cardiomyopathy genetic testing; however, details were limited (Walsh R et al. Genet. Med., 2017 02;19:192-203). This amino acid position is highly conserved in available vertebrate species. In addition, this alteration is predicted to be deleterious by in silico analysis. Since supporting evidence is limited at this time, the clinical significance of this alteration remains unclear.

Illumina Laboratory Services, Illumina
Classification: Uncertain significance for Dilated cardiomyopathy 1AA. Last evaluated: 2018-01-12. Review status: criteria provided, single submitter. Criteria: ICSL Variant Classification Criteria 13 December 2019. Collection method: clinical testing. Allele origin: germline.

Literature cited by the submitters: PubMed 27532257 (cited by 3 submitters).